The following is an entry in ClinVar:

ClinVar aggregate classification (germline): Uncertain significance (1 of 4 stars; one submission).

Conditions:
Cardiovascular phenotype. Identifiers: MedGen CN230736.

Submission:

Ambry Genetics
Classification: Uncertain significance for Cardiovascular phenotype. Last evaluated: 2022-06-07. Review status: criteria provided, single submitter. Criteria: Ambry Variant Classification Scheme 2023. Collection method: clinical testing. Allele origin: germline.
Comment: The c.5790+5G>T intronic variant results from a G to T substitution 5 nucleotides after coding exon 37 in the MYH7 gene. This nucleotide position is highly conserved in available vertebrate species. In silico splice site analysis for this alteration is inconclusive. Since supporting evidence is limited at this time, the clinical significance of this alteration remains unclear.

NM_000257.4(MYH7):c.5790+5G>T

Gene: MYH7 (myosin heavy chain 7; minus strand). Cytogenetic location: 14q11.2.
Variant type: single nucleotide variant.
Coding change: c.5790+5G>T on transcript NM_000257.4 (MANE Select); 5 bases into the intron after coding-DNA position 5790, G replaced by T.
Molecular consequence: intron variant.
Genome position (GRCh38, 1-based): chr14:23,413,754, C>A on the plus strand (G>T on the coding strand, the complement: MYH7 is on the minus strand). VCF-style: chr14-23413754-C-A. GRCh37 (hg19) VCF-style: chr14-23882963-C-A.
Identifiers: ClinVar variation 1749660 (VCV001749660.2), dbSNP rs2502232637, ClinGen allele CA2580087897.